The following is an entry in ClinVar:

NM_002755.4(MAP2K1):c.877C>G (p.Pro293Ala)

Gene: MAP2K1 (mitogen-activated protein kinase kinase 1; plus strand). Cytogenetic location: 15q22.31.
Variant type: single nucleotide variant.
Coding change: c.877C>G on transcript NM_002755.4 (MANE Select); coding-DNA position 877, C replaced by G.
Protein change: p.Pro293Ala; replaces proline 293 with alanine.
Molecular consequence: missense variant.
Genome position (GRCh38, 1-based): chr15:66,485,173, C>G. VCF-style: chr15-66485173-C-G. GRCh37 (hg19) VCF-style: chr15-66777511-C-G.
Other names: c.733C>G, p.Pro245Ala (NM_001411065.1); short protein forms P245A, P293A.
Identifiers: ClinVar variation 1764633 (VCV001764633.2), dbSNP rs918690546, ClinGen allele CA392937408.

ClinVar aggregate classification (germline): Uncertain significance (1 of 4 stars; one submission).

Conditions:
Cardiovascular phenotype. Identifiers: MedGen CN230736.

Submission:

Ambry Genetics
Classification: Uncertain significance for Cardiovascular phenotype. Last evaluated: 2021-10-29. Review status: criteria provided, single submitter. Criteria: Ambry Variant Classification Scheme 2023. Collection method: clinical testing. Allele origin: germline.
Comment: The p.P293A variant (also known as c.877C>G), located in coding exon 7 of the MAP2K1 gene, results from a C to G substitution at nucleotide position 877. The proline at codon 293 is replaced by alanine, an amino acid with highly similar properties. This amino acid position is conserved. In addition, the in silico prediction for this alteration is inconclusive. Since supporting evidence is limited at this time, the clinical significance of this alteration remains unclear.